The following is an entry in ClinVar:

ClinVar aggregate classification (germline): Likely benign. Review status: criteria provided, multiple submitters, no conflicts (2 of 4 stars). 2 submissions from 2 submitters: Likely benign (2). Last evaluated 2025-04-13.

Conditions:
SNRNP200-related disorder. Also called: SNRNP200-related condition.

Allele frequency attached by ClinVar (database versions not stated): gnomAD exomes below 0.00001; TOPMed below 0.00001; gnomAD 0.00001.
gnomAD v4.1: 22 of 1,614,084 alleles (0.0014%); highest among the groups gnomAD compares: Middle Eastern, 0.049%; no homozygotes.

Submissions (2):

Labcorp Genetics (formerly Invitae), Labcorp
Classification: Likely benign. Last evaluated: 2025-04-13. Review status: criteria provided, single submitter. Criteria: Invitae Variant Classification Sherloc (09022015). Collection method: clinical testing. Allele origin: germline.

PreventionGenetics, part of Exact Sciences
Classification: Likely benign for SNRNP200-related condition. Last evaluated: 2025-03-01. Review status: criteria provided, single submitter. Criteria: ACMG Guidelines, 2015. Collection method: clinical testing. Allele origin: germline.
Comment: This variant is classified as likely benign based on ACMG/AMP sequence variant interpretation guidelines (Richards et al. 2015 PMID: 25741868, with internal and published modifications).

NM_014014.5(SNRNP200):c.2040C>T (p.Phe680=)

Gene: SNRNP200 (small nuclear ribonucleoprotein U5 subunit 200; minus strand). Cytogenetic location: 2q11.2.
Variant type: single nucleotide variant.
Coding change: c.2040C>T on transcript NM_014014.5 (MANE Select); coding-DNA position 2040, C replaced by T.
Protein change: p.Phe680=; no amino-acid change (phenylalanine 680 retained).
Molecular consequence: synonymous variant.
Genome position (GRCh38, 1-based): chr2:96,293,092, G>A on the plus strand (C>T on the coding strand, the complement: SNRNP200 is on the minus strand). VCF-style: chr2-96293092-G-A. GRCh37 (hg19) VCF-style: chr2-96958830-G-A.
Other names: c.2040C>T (NM_014014.4).
Identifiers: ClinVar variation 1590111 (VCV001590111.9), dbSNP rs974205583, ClinGen allele CA52399865.
Genomic context (GRCh38, chr2:96,293,092, plus strand): 5'-ACGCTTGATAGCTTTTTTCTCTGTGATACCCACATATGTCTGTTCCAGAGGCACTGGACG[G>A]AAGCTAGAAGTTCAACAGTTAGACAAATGAGGCTTTGGCAGAAAATACTGTGGGAATAAA-3'
Protein context (NP_054733.2, residues 670-690): AKGLFYFDNS[Phe680=]RPVPLEQTYV